The following is an entry in ClinVar:

NM_001854.4(COL11A1):c.3884C>A (p.Ala1295Asp)

Gene: COL11A1 (collagen type XI alpha 1 chain; minus strand). Cytogenetic location: 1p21.1.
Variant type: single nucleotide variant.
Coding change: c.3884C>A on transcript NM_001854.4 (MANE Select); coding-DNA position 3884, C replaced by A.
Protein change: p.Ala1295Asp; replaces alanine 1295 with aspartic acid.
Molecular consequence: missense variant. On other transcripts: non-coding transcript variant (1).
Genome position (GRCh38, 1-based): chr1:102,914,744, G>T on the plus strand (C>A on the coding strand, the complement: COL11A1 is on the minus strand). VCF-style: chr1-102914744-G-T. GRCh37 (hg19) VCF-style: chr1-103380300-G-T.
Other names: c.3767C>A, p.Ala1256Asp (NM_001190709.2); c.3920C>A, p.Ala1307Asp (NM_080629.3); c.3536C>A, p.Ala1179Asp (NM_080630.4); short protein forms A1295D, A1256D, A1307D, A1179D.
Identifiers: ClinVar variation 3655375 (VCV003655375.2).
Genomic context (GRCh38, chr1:102,914,744, plus strand): 5'-AGGGGACCAAACTCACTTACCGGGTTACCCTTAGGGCCATCATCACCTGGTGGCCCCTTG[G>T]CACCTGGAGGTCCAGCAGCTCCAGGTGGACCAGCTTCCCCTTTCTCTCCTCTTTCTCCTT-3'
Protein context (NP_001845.3, residues 1285-1305): GPPGAAGPPG[Ala1295Asp]KGPPGDDGPK

ClinVar aggregate classification (germline): Uncertain significance (1 of 4 stars; one submission).

Submission:

Labcorp Genetics (formerly Invitae), Labcorp
Classification: Uncertain significance. Last evaluated: 2024-06-03. Review status: criteria provided, single submitter. Criteria: Invitae Variant Classification Sherloc (09022015). Collection method: clinical testing. Allele origin: germline.
Comment: This sequence change replaces alanine, which is neutral and non-polar, with aspartic acid, which is acidic and polar, at codon 1295 of the COL11A1 protein (p.Ala1295Asp). This variant is not present in population databases (gnomAD no frequency). This variant has not been reported in the literature in individuals affected with COL11A1-related conditions. Advanced modeling of protein sequence and biophysical properties (such as structural, functional, and spatial information, amino acid conservation, physicochemical variation, residue mobility, and thermodynamic stability) performed at Invitae indicates that this missense variant is not expected to disrupt COL11A1 protein function with a negative predictive value of 95%. In summary, the available evidence is currently insufficient to determine the role of this variant in disease. Therefore, it has been classified as a Variant of Uncertain Significance.